The following is an entry in ClinVar:

ClinVar aggregate classification (germline): Likely benign (1 of 4 stars; one submission).

Submission:

CeGaT Center for Human Genetics Tuebingen
Classification: Likely benign. Last evaluated: 2025-11-01. Review status: criteria provided, single submitter. Criteria: CeGaT Center For Human Genetics Tuebingen Variant Classification Criteria Version 2. Collection method: clinical testing. Allele origin: germline. Affected: yes. Observed: 1 variant allele.
Comment: POTEF: BP4, BP7

NM_001099771.2(POTEF):c.1782C>T (p.Asp594=)

Gene: POTEF (POTE ankyrin domain family member F; minus strand). Cytogenetic location: 2q21.1.
Variant type: single nucleotide variant.
Coding change: c.1782C>T on transcript NM_001099771.2 (MANE Select); coding-DNA position 1782, C replaced by T.
Protein change: p.Asp594=; no amino-acid change (aspartic acid 594 retained).
Molecular consequence: synonymous variant.
Genome position (GRCh38, 1-based): chr2:130,077,198, G>A on the plus strand (C>T on the coding strand, the complement: POTEF is on the minus strand). VCF-style: chr2-130077198-G-A. GRCh37 (hg19) VCF-style: chr2-130834771-G-A.
Identifiers: ClinVar variation 4534195 (VCV004534195.6).